The following is an entry in ClinVar:

ClinVar aggregate classification (germline): Uncertain significance. Review status: criteria provided, multiple submitters, no conflicts (2 of 4 stars). 2 submissions from 2 submitters: Uncertain significance (2). Last evaluated 2025-08-26.

Allele frequency attached by ClinVar (database versions not stated): gnomAD exomes below 0.00001; gnomAD 0.00001; TOPMed 0.00001.
gnomAD v4.1: 3 of 1,612,068 alleles (0.00019%); highest among the groups gnomAD compares: Middle Eastern, 0.021%; no homozygotes.

Submissions (2):

Ambry Genetics
Classification: Uncertain significance. Last evaluated: 2025-08-26. Review status: criteria provided, single submitter. Criteria: Ambry Variant Classification Scheme 2023. Collection method: clinical testing. Allele origin: germline.

Labcorp Genetics (formerly Invitae), Labcorp
Classification: Uncertain significance. Last evaluated: 2023-02-08. Review status: criteria provided, single submitter. Criteria: Invitae Variant Classification Sherloc (09022015). Collection method: clinical testing. Allele origin: germline.
Comment: In summary, the available evidence is currently insufficient to determine the role of this variant in disease. Therefore, it has been classified as a Variant of Uncertain Significance. Advanced modeling of protein sequence and biophysical properties (such as structural, functional, and spatial information, amino acid conservation, physicochemical variation, residue mobility, and thermodynamic stability) performed at Invitae indicates that this missense variant is not expected to disrupt GALNT12 protein function. ClinVar contains an entry for this variant (Variation ID: 1750240). This variant has not been reported in the literature in individuals affected with GALNT12-related conditions. This variant is present in population databases (no rsID available, gnomAD 0.003%). This sequence change replaces lysine, which is basic and polar, with arginine, which is basic and polar, at codon 196 of the GALNT12 protein (p.Lys196Arg).

NM_024642.5(GALNT12):c.587A>G (p.Lys196Arg)

Gene: GALNT12 (polypeptide N-acetylgalactosaminyltransferase 12; plus strand). Cytogenetic location: 9q22.33.
Variant type: single nucleotide variant.
Coding change: c.587A>G on transcript NM_024642.5 (MANE Select); coding-DNA position 587, A replaced by G.
Protein change: p.Lys196Arg; replaces lysine 196 with arginine.
Molecular consequence: missense variant.
Genome position (GRCh38, 1-based): chr9:98,826,797, A>G. VCF-style: chr9-98826797-A-G. GRCh37 (hg19) VCF-style: chr9-101589079-A-G.
Other names: short protein forms K196R.
Identifiers: ClinVar variation 1750240 (VCV001750240.6), dbSNP rs1003752437, ClinGen allele CA196819445.
Genomic context (GRCh38, chr9:98,826,797, plus strand): 5'-TGTTTGCCTCCCTAGAGCACCTGAAGGAGCGCTTGGCCAATGAGCTTTCGGGACTGCCCA[A>G]GGTGCGCCTGATCCGCGCCAACAAGAGAGAGGGCCTGGTGCGAGCCCGGCTGCTGGGGGC-3'
Protein context (NP_078918.3, residues 186-206): RLANELSGLP[Lys196Arg]VRLIRANKRE